The following is an entry in ClinVar:

NM_006904.7(PRKDC):c.2887A>G (p.Lys963Glu)

Gene: PRKDC (protein kinase, DNA-activated, catalytic subunit; minus strand). Cytogenetic location: 8q11.21.
Variant type: single nucleotide variant.
Coding change: c.2887A>G on transcript NM_006904.7 (MANE Select); coding-DNA position 2887, A replaced by G.
Protein change: p.Lys963Glu; replaces lysine 963 with glutamic acid.
Molecular consequence: missense variant.
Genome position (GRCh38, 1-based): chr8:47,912,457, T>C on the plus strand (A>G on the coding strand, the complement: PRKDC is on the minus strand). VCF-style: chr8-47912457-T-C. GRCh37 (hg19) VCF-style: chr8-48825017-T-C.
Other names: c.2887A>G, p.Lys963Glu (NM_001081640.2); short protein forms K963E.
Identifiers: ClinVar variation 2153851 (VCV002153851.3), dbSNP rs764099792, ClinGen allele CA4741341.
Genomic context (GRCh38, chr8:47,912,457, plus strand): 5'-TCAAAGCCCTTACCTGATCAACATCACACGCAAGTCGAAGCAGCACAGGAAACGTCCGCT[T>C]ATAGAGCTGGTACATGGGTGGGGCTCCCTGTCCCCCTTCTGGCATCTGCGTGGCTTTGCC-3'
Protein context (NP_008835.5, residues 953-973): QGAPPMYQLY[Lys963Glu]RTFPVLLRLA

ClinVar aggregate classification (germline): Uncertain significance. Review status: criteria provided, multiple submitters, no conflicts (2 of 4 stars). 2 submissions from 2 submitters: Uncertain significance (2). Last evaluated 2026-01-21.

Conditions:
Severe combined immunodeficiency due to DNA-PKcs deficiency. Also called: Immunodeficiency 26 with or without neurologic abnormalities; IMMUNODEFICIENCY 26 WITH NEUROLOGIC ABNORMALITIES. Identifiers: Orphanet 317425, MedGen C4014833, MONDO:0014423, OMIM 615966.

Allele frequency attached by ClinVar (database versions not stated): ExAC 0.00001; gnomAD 0.00001; gnomAD exomes 0.00001; TOPMed 0.00002.
gnomAD v4.1: 10 of 1,611,164 alleles (0.00062%); highest among the groups gnomAD compares: Admixed American, 0.0034%; no homozygotes.

Submissions (2):

Labcorp Genetics (formerly Invitae), Labcorp
Classification: Uncertain significance for Severe combined immunodeficiency due to DNA-PKcs deficiency. Last evaluated: 2026-01-21. Review status: criteria provided, single submitter. Criteria: Invitae Variant Classification Sherloc (09022015). Collection method: clinical testing. Allele origin: germline.
Comment: This sequence change replaces lysine, which is basic and polar, with glutamic acid, which is acidic and polar, at codon 963 of the PRKDC protein (p.Lys963Glu). This variant is present in population databases (rs764099792, gnomAD 0.003%). This variant has not been reported in the literature in individuals affected with PRKDC-related conditions. ClinVar contains an entry for this variant (Variation ID: 2153851). Invitae Evidence Modeling of protein sequence and biophysical properties (such as structural, functional, and spatial information, amino acid conservation, physicochemical variation, residue mobility, and thermodynamic stability) indicates that this missense variant is expected to disrupt PRKDC protein function with a positive predictive value of 80%. In summary, the available evidence is currently insufficient to determine the role of this variant in disease. Therefore, it has been classified as a Variant of Uncertain Significance.

Ambry Genetics
Classification: Uncertain significance. Last evaluated: 2025-08-12. Review status: criteria provided, single submitter. Criteria: Ambry Variant Classification Scheme 2023. Collection method: clinical testing. Allele origin: germline.